The following is an entry in ClinVar:

NM_000038.6(APC):c.3119G>A (p.Arg1040Lys)

Gene: APC (APC regulator of Wnt signaling pathway; plus strand). Cytogenetic location: 5q22.2.
Variant type: single nucleotide variant.
Coding change: c.3119G>A on transcript NM_000038.6 (MANE Select); coding-DNA position 3119, G replaced by A.
Protein change: p.Arg1040Lys; replaces arginine 1040 with lysine.
Molecular consequence: missense variant. On other transcripts: non-coding transcript variant (2).
Genome position (GRCh38, 1-based): chr5:112,838,713, G>A. VCF-style: chr5-112838713-G-A. GRCh37 (hg19) VCF-style: chr5-112174410-G-A.
Other names: c.3119G>A, p.Arg1040Lys (NM_001127510.3, NM_001354895.2, NM_001407450.1); c.3065G>A, p.Arg1022Lys (NM_001127511.3); c.3173G>A, p.Arg1058Lys (NM_001354896.2, NM_001407447.1, NM_001407448.1 and 1 more transcripts); c.3149G>A, p.Arg1050Lys (NM_001354897.2); c.3044G>A, p.Arg1015Lys (NM_001354898.2); c.3035G>A, p.Arg1012Lys (NM_001354899.2); c.2996G>A, p.Arg999Lys (NM_001354900.2); c.2942G>A, p.Arg981Lys (NM_001354901.2, NM_001407453.1); and 11 more; short protein forms R1012K, R1033K, R939K, R957K, R999K, R1040K, R1050K, R880K.
Identifiers: ClinVar variation 4825054 (VCV004825054.1).

ClinVar aggregate classification (germline): Uncertain significance (1 of 4 stars; one submission).

Conditions:
Hereditary cancer-predisposing syndrome. Also called: Neoplastic Syndromes, Hereditary; Tumor predisposition; Hereditary Cancer Syndrome; Hereditary neoplastic syndrome. Identifiers: Orphanet 140162, MedGen C0027672, MeSH D009386, MONDO:0015356.

gnomAD v4.1: 1 of 1,613,978 alleles (0.000062%); no homozygotes.

Submission:

Ambry Genetics
Classification: Uncertain significance for Hereditary cancer-predisposing syndrome. Last evaluated: 2026-02-17. Review status: criteria provided, single submitter. Criteria: Ambry Variant Classification Scheme 2023. Collection method: clinical testing. Allele origin: germline.
Comment: The p.R1040K variant (also known as c.3119G>A), located in coding exon 15 of the APC gene, results from a G to A substitution at nucleotide position 3119. The arginine at codon 1040 is replaced by lysine, an amino acid with highly similar properties. This amino acid position is conserved. In addition, in silico predictors for this gene do not accurately predict pathogenicity. Based on the available evidence, the clinical significance of this variant remains unclear.